The following is an entry in ClinVar:

NM_015600.5(ABHD12):c.1158-8T>C

Genes: ABHD12 (abhydrolase domain containing 12, lysophospholipase; minus strand), PYGB (glycogen phosphorylase B; plus strand). Cytogenetic location: 20p11.21.
Variant type: single nucleotide variant.
Coding change: c.1158-8T>C on transcript NM_015600.5; 8 bases into the intron before coding-DNA position 1158, T replaced by C.
Molecular consequence: intron variant.
Genome position (GRCh38, 1-based): chr20:25,295,038, A>G on the plus strand (T>C on the coding strand, the complement: ABHD12 is on the minus strand). VCF-style: chr20-25295038-A-G. GRCh37 (hg19) VCF-style: chr20-25275674-A-G.
Other names: c.2313-566A>G (NM_002862.4).
Identifiers: ClinVar variation 3041643 (VCV003041643.2), dbSNP rs1276450612, ClinGen allele CA634943839.

ClinVar aggregate classification (germline): Likely benign (0 of 4 stars; one submission).

Conditions:
ABHD12-related disorder. Also called: ABHD12-related condition.

Allele frequency attached by ClinVar (database versions not stated): gnomAD 0.00001; TOPMed 0.00001.
gnomAD v4.1: 10 of 1,614,038 alleles (0.00062%); highest among the groups gnomAD compares: African/African-American, 0.0013%; no homozygotes.

Submission:

PreventionGenetics, part of Exact Sciences
Classification: Likely benign for ABHD12-related condition. Last evaluated: 2019-05-14. Review status: no assertion criteria provided. Collection method: clinical testing. Allele origin: germline.
Comment: This variant is classified as likely benign based on ACMG/AMP sequence variant interpretation guidelines (Richards et al. 2015 PMID: 25741868, with internal and published modifications).